The following is an entry in ClinVar:

NM_019015.3(CHPF2):c.1221G>A (p.Leu407=)

Gene: CHPF2 (chondroitin polymerizing factor 2; plus strand). Cytogenetic location: 7q36.1.
Variant type: single nucleotide variant.
Coding change: c.1221G>A on transcript NM_019015.3 (MANE Select); coding-DNA position 1221, G replaced by A.
Protein change: p.Leu407=; no amino-acid change (leucine 407 retained).
Molecular consequence: synonymous variant. On other transcripts: non-coding transcript variant (3).
Genome position (GRCh38, 1-based): chr7:151,237,583, G>A. VCF-style: chr7-151237583-G-A. GRCh37 (hg19) VCF-style: chr7-150934669-G-A.
Other names: c.1197G>A, p.Leu399= (NM_001284295.2); c.1038G>A, p.Leu346= (NM_001389651.1); c.1008G>A, p.Leu336= (NM_001389652.1); c.825G>A, p.Leu275= (NM_001389653.1).
Identifiers: ClinVar variation 2658187 (VCV002658187.24), dbSNP rs147884296, ClinGen allele CA4575003.

ClinVar aggregate classification (germline): Likely benign (1 of 4 stars; one submission).

Allele frequency attached by ClinVar (database versions not stated): 1000 Genomes Project 0.00379; TOPMed 0.00386; gnomAD 0.00581; ExAC 0.00613; gnomAD exomes 0.00649; 1000 Genomes Project 30x 0.00406; ESP Exome Variant Server 0.00477.
gnomAD v4.1: 10,316 of 1,613,714 alleles (0.64%); highest among the groups gnomAD compares: Non-Finnish European, 0.68%; 51 homozygotes.

Submission:

CeGaT Center for Human Genetics Tuebingen
Classification: Likely benign. Last evaluated: 2023-03-01. Review status: criteria provided, single submitter. Criteria: CeGaT Center For Human Genetics Tuebingen Variant Classification Criteria Version 2. Collection method: clinical testing. Allele origin: germline. Affected: yes. Observed: 1 variant allele.
Comment: CHPF2: BP4, BS2